The following is an entry in ClinVar:

ClinVar aggregate classification (germline): Uncertain significance (1 of 4 stars; one submission).

Submission:

GeneDx
Classification: Uncertain significance. Last evaluated: 2021-07-01. Review status: criteria provided, single submitter. Criteria: GeneDx Variant Classification Process June 2021. Collection method: clinical testing. Allele origin: germline. Affected: yes.
Comment: Not observed at significant frequency in large population cohorts (Lek et al., 2016); In silico analysis supports that this missense variant does not alter protein structure/function; Has not been previously published as pathogenic or benign to our knowledge; This variant is associated with the following publications: (PMID: 27535533)

NM_152641.4(ARID2):c.595A>G (p.Ile199Val)

Gene: ARID2 (AT-rich interaction domain 2; plus strand). Cytogenetic location: 12q12.
Variant type: single nucleotide variant.
Coding change: c.595A>G on transcript NM_152641.4 (MANE Select); coding-DNA position 595, A replaced by G.
Protein change: p.Ile199Val; replaces isoleucine 199 with valine.
Molecular consequence: missense variant.
Genome position (GRCh38, 1-based): chr12:45,817,846, A>G. VCF-style: chr12-45817846-A-G. GRCh37 (hg19) VCF-style: chr12-46211629-A-G.
Other names: c.595A>G, p.Ile199Val (NM_001347839.2); short protein forms I199V.
Identifiers: ClinVar variation 1331130 (VCV001331130.2), dbSNP rs2138093496, ClinGen allele CA384610925.